The following is an entry in ClinVar:

ClinVar aggregate classification (germline): Uncertain significance (1 of 4 stars; one submission).

Allele frequency attached by ClinVar (database versions not stated): gnomAD exomes below 0.00001.
gnomAD v4.1: 3 of 1,613,170 alleles (0.00019%); highest among the groups gnomAD compares: South Asian, 0.0022%; no homozygotes.

Submission:

Labcorp Genetics (formerly Invitae), Labcorp
Classification: Uncertain significance. Last evaluated: 2022-07-07. Review status: criteria provided, single submitter. Criteria: Invitae Variant Classification Sherloc (09022015). Collection method: clinical testing. Allele origin: germline.
Comment: In summary, the available evidence is currently insufficient to determine the role of this variant in disease. Therefore, it has been classified as a Variant of Uncertain Significance. This sequence change replaces threonine, which is neutral and polar, with proline, which is neutral and non-polar, at codon 249 of the DRAM2 protein (p.Thr249Pro). Algorithms developed to predict the effect of missense changes on protein structure and function (SIFT, PolyPhen-2, Align-GVGD) all suggest that this variant is likely to be tolerated. This variant has not been reported in the literature in individuals affected with DRAM2-related conditions. This variant is not present in population databases (gnomAD no frequency).

NM_001349884.2(DRAM2):c.745A>C (p.Thr249Pro)

Gene: DRAM2 (DNA damage regulated autophagy modulator 2; minus strand). Cytogenetic location: 1p13.3.
Variant type: single nucleotide variant.
Coding change: c.745A>C on transcript NM_001349884.2 (MANE Select); coding-DNA position 745, A replaced by C.
Protein change: p.Thr249Pro; replaces threonine 249 with proline.
Molecular consequence: missense variant. On other transcripts: non-coding transcript variant (8).
Genome position (GRCh38, 1-based): chr1:111,118,216, T>G on the plus strand (A>C on the coding strand, the complement: DRAM2 is on the minus strand). VCF-style: chr1-111118216-T-G. GRCh37 (hg19) VCF-style: chr1-111660838-T-G.
Other names: c.745A>C, p.Thr249Pro (NM_001349881.2, NM_001349882.2, NM_001349885.2 and 1 more transcripts); c.475A>C, p.Thr159Pro (NM_001349886.2, NM_001349887.2, NM_001349888.2); c.355A>C, p.Thr119Pro (NM_001349889.2, NM_001349890.2, NM_001349891.2 and 2 more transcripts); short protein forms T159P, T119P, T249P.
Identifiers: ClinVar variation 2014913 (VCV002014913.4), dbSNP rs1312101997, ClinGen allele CA341817941.